The following is an entry in ClinVar:

NM_001163435.3(TBCK):c.1880T>G (p.Phe627Cys)

Gene: TBCK (TBC1 domain containing kinase; minus strand). Cytogenetic location: 4q24.
Variant type: single nucleotide variant.
Coding change: c.1880T>G on transcript NM_001163435.3 (MANE Select); coding-DNA position 1880, T replaced by G.
Protein change: p.Phe627Cys; replaces phenylalanine 627 with cysteine.
Molecular consequence: missense variant.
Genome position (GRCh38, 1-based): chr4:106,194,735, A>C on the plus strand (T>G on the coding strand, the complement: TBCK is on the minus strand). VCF-style: chr4-106194735-A-C. GRCh37 (hg19) VCF-style: chr4-107115892-A-C.
Other names: NM_001163435.3(TBCK):c.1880T>G; p.Phe627Cys; c.1880T>G, p.Phe627Cys (NM_001163436.4); c.1763T>G, p.Phe588Cys (NM_001163437.3); c.1364T>G, p.Phe455Cys (NM_001290768.2); c.1691T>G, p.Phe564Cys (NM_033115.5); short protein forms F588C, F627C, F564C, F455C.
Identifiers: ClinVar variation 807702 (VCV000807702.3), dbSNP rs1579198426, ClinGen allele CA357821549.
Genomic context (GRCh38, chr4:106,194,735, plus strand): 5'-TTGCTAATACAATATCAAAAAAACCGGGGGAAGTCATACTTACGAGTAAACATGGTAAGA[A>C]ACCAAGGGATGGCATAGAGCTATGAGTGGAAAAAGGGGTACAGGGAATGGATAAAAAGGA-3'
Protein context (NP_001156907.2, residues 617-637): FIPDLYAIPW[Phe627Cys]LTMFTHVFPL

ClinVar aggregate classification (germline): Conflicting classifications of pathogenicity. Review status: criteria provided, conflicting classifications (1 of 4 stars). 2 submissions from 2 submitters: Pathogenic (1); Uncertain significance (1). Last evaluated 2025-01-13.

Conditions:
Hypotonia, infantile, with psychomotor retardation and characteristic facies 3 (IHPRF3). Also called: TBCK-Related Neurodevelopmental Disorder. Identifiers: Orphanet 488632, MedGen C5567480, MONDO:0014823, OMIM 616900.

Allele frequency attached by ClinVar (database versions not stated): gnomAD exomes 0.00001.
gnomAD v4.1: 4 of 1,590,258 alleles (0.00025%); highest among the groups gnomAD compares: Non-Finnish European, 0.00034%; no homozygotes.

Submissions (2):

Broad Center for Mendelian Genomics, Broad Institute of MIT and Harvard
Classification: Uncertain significance for Hypotonia, infantile, with psychomotor retardation and characteristic facies 3. Last evaluated: 2025-01-13. Review status: criteria provided, single submitter. Criteria: ACMG Guidelines, 2015. Collection method: curation. Allele origin: germline. Inheritance: Autosomal recessive inheritance.
Comment: The p.Phe627Cys variant in TBCK has not been previously reported in the literature in individuals with TBCK-related intellectual disability syndrome, but has been identified in 0.0003% (4/1172420) of European (non-Finnish) chromosomes by the Genome Aggregation Database (gnomAD; dbSNP rs1579198426). Although this variant has been seen in the general population in a heterozygous state, its frequency is low enough to be consistent with a recessive carrier frequency. This variant has also been reported in ClinVar (Variation ID: 807702) and has been interpreted as pathogenic by Institute of Human Genetics (Klinikum rechts der Isar). Computational prediction tools and conservation analyses suggest that this variant may impact the protein, though this information is not predictive enough to determine pathogenicity. In summary, the clinical significance of the p.Phe627Cys variant is uncertain. ACMG/AMP Criteria applied: PP3, PM2_supporting (Richards 2015).

Institute of Human Genetics Munich, TUM University Hospital
Classification: Pathogenic for Hypotonia, infantile, with psychomotor retardation and characteristic facies 3. Last evaluated: 2019-06-11. Review status: criteria provided, single submitter. Criteria: Classification criteria August 2017. Collection method: clinical testing. Allele origin: inherited. Inheritance: Autosomal recessive inheritance. Affected: yes. Observed: 1 homozygote.